The following is an entry in ClinVar:

ClinVar aggregate classification (germline): Uncertain significance. Review status: criteria provided, multiple submitters, no conflicts (2 of 4 stars). 2 submissions from 2 submitters: Uncertain significance (2). Last evaluated 2024-06-07.

Conditions:
Inborn genetic diseases. Identifiers: MedGen C0950123, MeSH D030342.

Allele frequency attached by ClinVar (database versions not stated): gnomAD 0.00001; ExAC 0.00001; TOPMed 0.00002; gnomAD exomes 0.00001.
gnomAD v4.1: 11 of 1,613,428 alleles (0.00068%); highest among the groups gnomAD compares: South Asian, 0.0044%; no homozygotes.

Submissions (2):

Women's Health and Genetics/Laboratory Corporation of America, LabCorp
Classification: Uncertain significance. Last evaluated: 2024-06-07. Review status: criteria provided, single submitter. Criteria: LabCorp Variant Classification Summary - May 2015. Collection method: clinical testing. Allele origin: germline.
Comment: Variant summary: KDM3B c.680G>A (p.Arg227His) results in a non-conservative amino acid change in the encoded protein sequence. Three of five in-silico tools predict a damaging effect of the variant on protein function. The variant allele was found at a frequency of 8e-06 in 250534 control chromosomes. The available data on variant occurrences in the general population are insufficient to allow any conclusion about variant significance. To our knowledge, no occurrence of c.680G>A in individuals affected with KDM3B-Related Disorders and no experimental evidence demonstrating its impact on protein function have been reported. ClinVar contains an entry for this variant (Variation ID: 985409). Based on the evidence outlined above, the variant was classified as uncertain significance.

Ambry Genetics
Classification: Uncertain significance for Inborn genetic diseases. Last evaluated: 2019-08-12. Review status: criteria provided, single submitter. Criteria: Ambry exome assertion method (8-5-2015). Collection method: clinical testing. Allele origin: germline. Affected: yes. Observed: 1 variant allele.

NM_016604.4(KDM3B):c.680G>A (p.Arg227His)

Gene: KDM3B (lysine demethylase 3B; plus strand). Cytogenetic location: 5q31.2.
Variant type: single nucleotide variant.
Coding change: c.680G>A on transcript NM_016604.4 (MANE Select); coding-DNA position 680, G replaced by A.
Protein change: p.Arg227His; replaces arginine 227 with histidine.
Molecular consequence: missense variant.
Genome position (GRCh38, 1-based): chr5:138,379,683, G>A. VCF-style: chr5-138379683-G-A. GRCh37 (hg19) VCF-style: chr5-137715372-G-A.
Other names: short protein forms R227H.
Identifiers: ClinVar variation 985409 (VCV000985409.4), dbSNP rs755231178, ClinGen allele CA3428755.
Genomic context (GRCh38, chr5:138,379,683, plus strand): 5'-AGCCAGAGGGGGAAGAAGGGTGGCTCTATGGTGTTGTGAGCCATCAGGACTCCATCACTC[G>A]TCTTATGGAGGTGTCTGTAACTGAGGTGAGACTCTGTGTTATTCTGTCTAAGGTCCATCC-3'
Protein context (NP_057688.3, residues 217-237): GVVSHQDSIT[Arg227His]LMEVSVTESG